The following is an entry in ClinVar:

ClinVar aggregate classification (germline): Uncertain significance (1 of 4 stars; one submission).

Submission:

Women's Health and Genetics/Laboratory Corporation of America, LabCorp
Classification: Uncertain significance. Last evaluated: 2026-04-01. Review status: criteria provided, single submitter. Criteria: LabCorp Variant Classification Summary - May 2015. Collection method: clinical testing. Allele origin: germline.
Comment: Variant summary: ADNP c.1797A>C (p.Glu599Asp) results in a conservative amino acid change in the encoded protein sequence. Algorithms developed to predict the effect of missense changes on protein structure and function all suggest that this variant is likely to be tolerated. The variant was absent in 251356 control chromosomes. The available data on variant occurrences in the general population are insufficient to allow any conclusion about variant significance. To our knowledge, no occurrence of c.1797A>C in individuals affected with ADNP-related conditions and no experimental evidence demonstrating its impact on protein function have been reported. No submitters have cited clinical-significance assessments for this variant to ClinVar. Based on the evidence outlined above, the variant was classified as uncertain significance.

NM_001282531.3(ADNP):c.1797A>C (p.Glu599Asp)

Gene: ADNP (activity dependent neuroprotector homeobox; minus strand). Cytogenetic location: 20q13.13.
Variant type: single nucleotide variant.
Coding change: c.1797A>C on transcript NM_001282531.3 (MANE Select); coding-DNA position 1797, A replaced by C.
Protein change: p.Glu599Asp; replaces glutamic acid 599 with aspartic acid.
Molecular consequence: missense variant.
Genome position (GRCh38, 1-based): chr20:50,892,917, T>G on the plus strand (A>C on the coding strand, the complement: ADNP is on the minus strand). VCF-style: chr20-50892917-T-G. GRCh37 (hg19) VCF-style: chr20-49509454-T-G.
Other names: c.1797A>C, p.Glu599Asp (NM_001282532.2, NM_001347511.2, NM_015339.5 and 1 more transcripts); c.2013A>C, p.Glu671Asp (NM_001439000.1); c.1113A>C, p.Glu371Asp (NM_001439001.1); short protein forms E371D, E599D, E671D.
Identifiers: ClinVar variation 4848973 (VCV004848973.1).